The following is an entry in ClinVar:

NM_000069.3(CACNA1S):c.5289T>A (p.His1763Gln)

Gene: CACNA1S (calcium voltage-gated channel subunit alpha1 S; minus strand). Cytogenetic location: 1q32.1.
Variant type: single nucleotide variant.
Coding change: c.5289T>A on transcript NM_000069.3 (MANE Select); coding-DNA position 5289, T replaced by A.
Protein change: p.His1763Gln; replaces histidine 1763 with glutamine.
Molecular consequence: missense variant.
Genome position (GRCh38, 1-based): chr1:201,040,312, A>T on the plus strand (T>A on the coding strand, the complement: CACNA1S is on the minus strand). VCF-style: chr1-201040312-A-T. GRCh37 (hg19) VCF-style: chr1-201009440-A-T.
Other names: short protein forms H1763Q.
Identifiers: ClinVar variation 4757950 (VCV004757950.1).
Genomic context (GRCh38, chr1:201,040,312, plus strand): 5'-AGCTGGTGCTGAGCACCTGGAAGTATTCTCCCTGGTGCTCCTGCTGTGGGGTGTCTCCTC[A>T]TGAAGAGACCCTGGTGTGGAGCTCTTTCTGTCCTCAGGCATGGAGGACTCCACCCTGGGG-3'
Protein context (NP_000060.2, residues 1753-1773): DRKSSTPGSL[His1763Gln]EETPHSRSTR

ClinVar aggregate classification (germline): Uncertain significance (1 of 4 stars; one submission).

Conditions:
Malignant hyperthermia, susceptibility to, 5 (MHS5). Also called: CACNA1S-Related Malignant Hyperthermia Susceptibility. Identifiers: Orphanet 423, MedGen C1866077, MONDO:0011163, OMIM 601887.

Submission:

Color Diagnostics, LLC DBA Color Health
Classification: Uncertain significance for Malignant hyperthermia, susceptibility to, 5. Last evaluated: 2025-08-18. Review status: criteria provided, single submitter. Criteria: ACMG Guidelines, 2015. Collection method: clinical testing. Allele origin: germline.
Comment: This missense variant replaces histidine with glutamine at codon 1763 of the CACNA1S protein. Computational prediction suggests that this variant may not impact protein structure and function. To our knowledge, functional studies have not been reported for this variant. This variant has not been reported in individuals affected with CACNA1S-related disorders in the literature. This variant has not been identified in the general population by the Genome Aggregation Database (gnomAD). The available evidence is insufficient to determine the role of this variant in disease conclusively. Therefore, this variant is classified as a Variant of Uncertain Significance.